The following is an entry in ClinVar:

ClinVar aggregate classification (germline): Uncertain significance (1 of 4 stars; one submission).

Conditions:
Tay-Sachs disease (TSD). Also called: GM2 gangliosidosis, type 1; Hexosaminidase alpha-subunit deficiency (variant B); Sphingolipidosis, Tay-Sachs; Hexosaminidase A Deficiency; HEXA DEFICIENCY; HEXA Disorders. Identifiers: Orphanet 845, MedGen C0039373, MONDO:0010100, OMIM 272800.

Allele frequency attached by ClinVar (database versions not stated): gnomAD exomes below 0.00001.
gnomAD v4.1: 3 of 1,604,672 alleles (0.00019%); highest among the groups gnomAD compares: Non-Finnish European, 0.00026%; no homozygotes.

Submission:

Labcorp Genetics (formerly Invitae), Labcorp
Classification: Uncertain significance for Tay-Sachs disease. Last evaluated: 2022-04-20. Review status: criteria provided, single submitter. Criteria: Invitae Variant Classification Sherloc (09022015). Collection method: clinical testing. Allele origin: germline.
Comment: This sequence change replaces asparagine, which is neutral and polar, with aspartic acid, which is acidic and polar, at codon 157 of the HEXA protein (p.Asn157Asp). This variant is present in population databases (no rsID available, gnomAD 0.0009%). This variant has not been reported in the literature in individuals affected with HEXA-related conditions. Algorithms developed to predict the effect of missense changes on protein structure and function are either unavailable or do not agree on the potential impact of this missense change (SIFT: "Tolerated"; PolyPhen-2: "Probably Damaging"; Align-GVGD: "Class C0"). In summary, the available evidence is currently insufficient to determine the role of this variant in disease. Therefore, it has been classified as a Variant of Uncertain Significance.

NM_000520.6(HEXA):c.469A>G (p.Asn157Asp)

Gene: HEXA (hexosaminidase subunit alpha; minus strand). Cytogenetic location: 15q23.
Variant type: single nucleotide variant.
Coding change: c.469A>G on transcript NM_000520.6 (MANE Select); coding-DNA position 469, A replaced by G.
Protein change: p.Asn157Asp; replaces asparagine 157 with aspartic acid.
Molecular consequence: missense variant. On other transcripts: non-coding transcript variant (1).
Genome position (GRCh38, 1-based): chr15:72,353,169, T>C on the plus strand (A>G on the coding strand, the complement: HEXA is on the minus strand). VCF-style: chr15-72353169-T-C. GRCh37 (hg19) VCF-style: chr15-72645510-T-C.
Other names: c.502A>G, p.Asn168Asp (NM_001318825.2); short protein forms N157D, N168D.
Identifiers: ClinVar variation 2148582 (VCV002148582.1), dbSNP rs930231608, ClinGen allele CA272613840.